The following is an entry in ClinVar:

ClinVar aggregate classification (germline): Uncertain significance (1 of 4 stars; one submission).

Allele frequency attached by ClinVar (database versions not stated): gnomAD 0.00001.
gnomAD v4.1: 1 of 1,614,078 alleles (0.000062%); highest among the groups gnomAD compares: African/African-American, 0.0013%; no homozygotes.

Submission:

Ambry Genetics
Classification: Uncertain significance. Last evaluated: 2024-11-03. Review status: criteria provided, single submitter. Criteria: Ambry Variant Classification Scheme 2023. Collection method: clinical testing. Allele origin: germline.
Comment: The p.D261E variant (also known as c.783C>G), located in coding exon 4 of the GALNT12 gene, results from a C to G substitution at nucleotide position 783. The aspartic acid at codon 261 is replaced by glutamic acid, an amino acid with highly similar properties. This amino acid position is conserved. In addition, this alteration is predicted to be tolerated by in silico analysis. Since supporting evidence is limited at this time, the clinical significance of this alteration remains unclear.

NM_024642.5(GALNT12):c.783C>G (p.Asp261Glu)

Gene: GALNT12 (polypeptide N-acetylgalactosaminyltransferase 12; plus strand). Cytogenetic location: 9q22.33.
Variant type: single nucleotide variant.
Coding change: c.783C>G on transcript NM_024642.5 (MANE Select); coding-DNA position 783, C replaced by G.
Protein change: p.Asp261Glu; replaces aspartic acid 261 with glutamic acid.
Molecular consequence: missense variant.
Genome position (GRCh38, 1-based): chr9:98,831,823, C>G. VCF-style: chr9-98831823-C-G. GRCh37 (hg19) VCF-style: chr9-101594105-C-G.
Other names: short protein forms D261E.
Identifiers: ClinVar variation 1760839 (VCV001760839.3), dbSNP rs1836004426, ClinGen allele CA374217996.